The following is an entry in ClinVar:

ClinVar aggregate classification (germline): Likely benign. Review status: criteria provided, multiple submitters, no conflicts (2 of 4 stars). 3 submissions from 3 submitters: Likely benign (3). Last evaluated 2026-06-01.

Conditions:
Spastic paraplegia. Identifiers: MedGen C0037772, HP:0001258.

Allele frequency attached by ClinVar (database versions not stated): gnomAD exomes 0.00002 and 0.00010; ESP Exome Variant Server 0.00008; TOPMed 0.00009; gnomAD 0.00010 and 0.00011; ExAC 0.00012; 1000 Genomes Project 30x 0.00016; 1000 Genomes Project 0.00020.
gnomAD v4.1: 50 of 1,610,318 alleles (0.0031%); highest among the groups gnomAD compares: Admixed American, 0.025%; no homozygotes.

Submissions (3):

CeGaT Center for Human Genetics Tuebingen
Classification: Likely benign. Last evaluated: 2026-06-01. Review status: criteria provided, single submitter. Criteria: CeGaT Center For Human Genetics Tuebingen Variant Classification Criteria Version 2. Collection method: clinical testing. Allele origin: germline. Affected: yes. Observed: 1 variant allele.
Comment: SLC33A1: BP4, BP7

Labcorp Genetics (formerly Invitae), Labcorp
Classification: Likely benign for Spastic paraplegia. Last evaluated: 2025-07-07. Review status: criteria provided, single submitter. Criteria: Invitae Variant Classification Sherloc (09022015). Collection method: clinical testing. Allele origin: germline.

Blueprint Genetics
Classification: Likely benign. Last evaluated: 2024-11-14. Review status: criteria provided, single submitter. Criteria: ACMG Guidelines, 2015. Collection method: clinical testing. Allele origin: germline.

NM_004733.4(SLC33A1):c.879G>A (p.Gly293=)

Gene: SLC33A1 (solute carrier family 33 member 1; minus strand). Cytogenetic location: 3q25.31.
Variant type: single nucleotide variant.
Coding change: c.879G>A on transcript NM_004733.4 (MANE Select); coding-DNA position 879, G replaced by A.
Protein change: p.Gly293=; no amino-acid change (glycine 293 retained).
Molecular consequence: synonymous variant. On other transcripts: intron variant (1).
Genome position (GRCh38, 1-based): chr3:155,842,516, C>T on the plus strand (G>A on the coding strand, the complement: SLC33A1 is on the minus strand). VCF-style: chr3-155842516-C-T. GRCh37 (hg19) VCF-style: chr3-155560305-C-T.
Other names: c.879G>A, p.Gly293= (NM_001190992.2); c.776-8475G>A (NM_001363883.1).
Identifiers: ClinVar variation 1596704 (VCV001596704.11), dbSNP rs143409270, ClinGen allele CA2677353.
Genomic context (GRCh38, chr3:155,842,516, plus strand): 5'-AAATGTCAGAACTGCTGGCATTTTTATAATTGCAAAAAGCAGCTTGTAAGTATCTGTGAT[C>T]CCTTGTGTTTCTTCTTTTACTACTGATACTTCGTTTTCTTTTTTCAGAAGGGCAACCAAT-3'
Protein context (NP_004724.1, residues 283-303): EVSVVKEETQ[Gly293=]ITDTYKLLFA